The following is an entry in ClinVar:

NM_001868.4(CPA1):c.452C>A (p.Thr151Asn)

Gene: CPA1 (carboxypeptidase A1; plus strand). Cytogenetic location: 7q32.2.
Variant type: single nucleotide variant.
Coding change: c.452C>A on transcript NM_001868.4 (MANE Select); coding-DNA position 452, C replaced by A.
Protein change: p.Thr151Asn; replaces threonine 151 with asparagine.
Molecular consequence: missense variant.
Genome position (GRCh38, 1-based): chr7:130,382,178, C>A. VCF-style: chr7-130382178-C-A. GRCh37 (hg19) VCF-style: chr7-130022019-C-A.
Other names: short protein forms T151N.
Identifiers: ClinVar variation 4559622 (VCV004559622.1).
Genomic context (GRCh38, chr7:130,382,178, plus strand): 5'-TCCTGGACCTGCTGGTGGCGGAGAACCCGCACCTTGTCAGCAAGATCCAGATTGGCAACA[C>A]CTATGAAGGGCGTCCCATTTACGTGCTGAAGGTAACATCCACATGTGGACATACACAGGG-3'
Protein context (NP_001859.1, residues 141-161): HLVSKIQIGN[Thr151Asn]YEGRPIYVLK

ClinVar aggregate classification (germline): Uncertain significance (1 of 4 stars; one submission).

Conditions:
Hereditary pancreatitis (PCTT). Also called: Hereditary chronic pancreatitis; PRSS1-Related Hereditary Pancreatitis. Identifiers: Orphanet 676, MedGen C0238339, MONDO:0008185, OMIM 167800.

Submission:

Ambry Genetics
Classification: Uncertain significance for Hereditary pancreatitis. Last evaluated: 2025-10-28. Review status: criteria provided, single submitter. Criteria: Ambry Variant Classification Scheme 2023. Collection method: clinical testing. Allele origin: germline.
Comment: The p.T151N variant (also known as c.452C>A), located in coding exon 4 of the CPA1 gene, results from a C to A substitution at nucleotide position 452. The threonine at codon 151 is replaced by asparagine, an amino acid with similar properties. This amino acid position is conserved. In addition, this alteration is predicted to be tolerated by in silico analysis. Based on the available evidence, the clinical significance of this variant remains unclear.